The following is an entry in ClinVar:

NM_152722.5(HEPACAM):c.226C>T (p.Pro76Ser)

Gene: HEPACAM (hepatic and glial cell adhesion molecule; minus strand). Cytogenetic location: 11q24.2.
Variant type: single nucleotide variant.
Coding change: c.226C>T on transcript NM_152722.5 (MANE Select); coding-DNA position 226, C replaced by T.
Protein change: p.Pro76Ser; replaces proline 76 with serine.
Molecular consequence: missense variant.
Genome position (GRCh38, 1-based): chr11:124,924,929, G>A on the plus strand (C>T on the coding strand, the complement: HEPACAM is on the minus strand). VCF-style: chr11-124924929-G-A. GRCh37 (hg19) VCF-style: chr11-124794825-G-A.
Other names: c.226C>T, p.Pro76Ser (NM_001411043.1); short protein forms P76S.
Identifiers: ClinVar variation 2076733 (VCV002076733.4), dbSNP rs749875314, ClinGen allele CA6345787.

ClinVar aggregate classification (germline): Uncertain significance (1 of 4 stars; one submission).

Allele frequency attached by ClinVar (database versions not stated): ExAC 0.00001.

Submission:

Labcorp Genetics (formerly Invitae), Labcorp
Classification: Uncertain significance. Last evaluated: 2022-07-23. Review status: criteria provided, single submitter. Criteria: Invitae Variant Classification Sherloc (09022015). Collection method: clinical testing. Allele origin: germline.
Comment: In summary, the available evidence is currently insufficient to determine the role of this variant in disease. Therefore, it has been classified as a Variant of Uncertain Significance. This sequence change replaces proline, which is neutral and non-polar, with serine, which is neutral and polar, at codon 76 of the HEPACAM protein (p.Pro76Ser). This variant is present in population databases (rs749875314, gnomAD 0.003%). This variant has not been reported in the literature in individuals affected with HEPACAM-related conditions. Algorithms developed to predict the effect of missense changes on protein structure and function are either unavailable or do not agree on the potential impact of this missense change (SIFT: "Deleterious"; PolyPhen-2: "Benign"; Align-GVGD: "Class C65").